The following is an entry in ClinVar:

NM_006231.4(POLE):c.5410A>G (p.Lys1804Glu)

Gene: POLE (DNA polymerase epsilon, catalytic subunit; minus strand). Cytogenetic location: 12q24.33.
Variant type: single nucleotide variant.
Coding change: c.5410A>G on transcript NM_006231.4 (MANE Select); coding-DNA position 5410, A replaced by G.
Protein change: p.Lys1804Glu; replaces lysine 1804 with glutamic acid.
Molecular consequence: missense variant.
Genome position (GRCh38, 1-based): chr12:132,639,267, T>C on the plus strand (A>G on the coding strand, the complement: POLE is on the minus strand). VCF-style: chr12-132639267-T-C. GRCh37 (hg19) VCF-style: chr12-133215853-T-C.
Other names: short protein forms K1804E.
Identifiers: ClinVar variation 954169 (VCV000954169.9), dbSNP rs374146891, ClinGen allele CA6892526.

ClinVar aggregate classification (germline): Uncertain significance (1 of 4 stars; one submission).

Allele frequency attached by ClinVar (database versions not stated): gnomAD exomes below 0.00001; ExAC 0.00001; ESP Exome Variant Server 0.00008.
gnomAD v4.1: 2 of 1,614,094 alleles (0.00012%); highest among the groups gnomAD compares: Middle Eastern, 0.017%; no homozygotes.

Submission:

Labcorp Genetics (formerly Invitae), Labcorp
Classification: Uncertain significance. Last evaluated: 2025-07-24. Review status: criteria provided, single submitter. Criteria: Invitae Variant Classification Sherloc (09022015). Collection method: clinical testing. Allele origin: germline.
Comment: This sequence change replaces lysine, which is basic and polar, with glutamic acid, which is acidic and polar, at codon 1804 of the POLE protein (p.Lys1804Glu). This variant is present in population databases (rs374146891, gnomAD 0.0009%). This variant has not been reported in the literature in individuals affected with POLE-related conditions. ClinVar contains an entry for this variant (Variation ID: 954169). Invitae Evidence Modeling of protein sequence and biophysical properties (such as structural, functional, and spatial information, amino acid conservation, physicochemical variation, residue mobility, and thermodynamic stability) indicates that this missense variant is not expected to disrupt POLE protein function with a negative predictive value of 80%. In summary, the available evidence is currently insufficient to determine the role of this variant in disease. Therefore, it has been classified as a Variant of Uncertain Significance.